The following is an entry in ClinVar:

NM_001291415.2(KDM6A):c.887G>A (p.Ser296Asn)

Gene: KDM6A (lysine demethylase 6A; plus strand). Cytogenetic location: Xp11.3.
Variant type: single nucleotide variant.
Coding change: c.887G>A on transcript NM_001291415.2 (MANE Select); coding-DNA position 887, G replaced by A.
Protein change: p.Ser296Asn; replaces serine 296 with asparagine.
Molecular consequence: missense variant. On other transcripts: non-coding transcript variant (1).
Genome position (GRCh38, 1-based): chrX:45,059,017, G>A. VCF-style: chrX-45059017-G-A. GRCh37 (hg19) VCF-style: chrX-44918262-G-A.
Other names: c.887G>A, p.Ser296Asn (NM_001291416.2, NM_001291417.2, NM_001291418.2 and 9 more transcripts); c.134G>A, p.Ser45Asn (NM_001291421.2); short protein forms S296N, S45N.
Identifiers: ClinVar variation 3012799 (VCV003012799.3), dbSNP rs2147956013, ClinGen allele CA412781108.
Genomic context (GRCh38, chrX:45,059,017, plus strand): 5'-TATTAATGGAATTCTCTTGATTTTTTTTTTTTTTCCCTTCCCTTCTCAGGTGCTATTCAA[G>A]TATTGGGAAAGTTCAGGATGCCTTTATATCTTACAGGCAGTCTATTGATAAATCAGAAGC-3'
Protein context (NP_001278344.1, residues 286-306): SWYFLGRCYS[Ser296Asn]IGKVQDAFIS

ClinVar aggregate classification (germline): Uncertain significance (1 of 4 stars; one submission).

Conditions:
Kabuki syndrome 2 (KABUK2). Also called: KDM6A-Related Kabuki Syndrome. Identifiers: Orphanet 2322, MedGen C3275495, MONDO:0010465, OMIM 300867.

Submission:

Labcorp Genetics (formerly Invitae), Labcorp
Classification: Uncertain significance for Kabuki syndrome 2. Last evaluated: 2023-05-16. Review status: criteria provided, single submitter. Criteria: Invitae Variant Classification Sherloc (09022015). Collection method: clinical testing. Allele origin: germline.
Comment: In summary, the available evidence is currently insufficient to determine the role of this variant in disease. Therefore, it has been classified as a Variant of Uncertain Significance. Advanced modeling of protein sequence and biophysical properties (such as structural, functional, and spatial information, amino acid conservation, physicochemical variation, residue mobility, and thermodynamic stability) has been performed at Invitae for this missense variant, however the output from this modeling did not meet the statistical confidence thresholds required to predict the impact of this variant on KDM6A protein function. This sequence change replaces serine, which is neutral and polar, with asparagine, which is neutral and polar, at codon 296 of the KDM6A protein (p.Ser296Asn). This variant is not present in population databases (gnomAD no frequency). This variant has not been reported in the literature in individuals affected with KDM6A-related conditions.